The following is an entry in ClinVar:

NM_199420.4(POLQ):c.596A>G (p.Asn199Ser)

Gene: POLQ (DNA polymerase theta; minus strand). Cytogenetic location: 3q13.33.
Variant type: single nucleotide variant.
Coding change: c.596A>G on transcript NM_199420.4 (MANE Select); coding-DNA position 596, A replaced by G.
Protein change: p.Asn199Ser; replaces asparagine 199 with serine.
Molecular consequence: missense variant.
Genome position (GRCh38, 1-based): chr3:121,539,468, T>C on the plus strand (A>G on the coding strand, the complement: POLQ is on the minus strand). VCF-style: chr3-121539468-T-C. GRCh37 (hg19) VCF-style: chr3-121258315-T-C.
Other names: short protein forms N199S.
Identifiers: ClinVar variation 1750765 (VCV001750765.3), dbSNP rs2546824506, ClinGen allele CA354091051.

ClinVar aggregate classification (germline): Uncertain significance (1 of 4 stars; one submission).

Allele frequency attached by ClinVar (database versions not stated): gnomAD exomes below 0.00001.
gnomAD v4.1: 1 of 1,610,972 alleles (0.000062%); highest among the groups gnomAD compares: South Asian, 0.0011%; no homozygotes.

Submission:

Ambry Genetics
Classification: Uncertain significance. Last evaluated: 2024-09-01. Review status: criteria provided, single submitter. Criteria: Ambry Variant Classification Scheme 2023. Collection method: clinical testing. Allele origin: germline.
Comment: The p.N199S variant (also known as c.596A>G), located in coding exon 4 of the POLQ gene, results from an A to G substitution at nucleotide position 596. The asparagine at codon 199 is replaced by serine, an amino acid with highly similar properties. This amino acid position is conserved. In addition, this alteration is predicted to be tolerated by in silico analysis. Since supporting evidence is limited at this time, the clinical significance of this alteration remains unclear.